The following is an entry in ClinVar:

ClinVar aggregate classification (germline): Pathogenic. Review status: criteria provided, multiple submitters, no conflicts (2 of 4 stars). 3 submissions from 3 submitters: Pathogenic (3). Last evaluated 2024-11-20.

Conditions:
Syndactyly type 5. Also called: Syndactyly, type V; SYNDACTYLY WITH METACARPAL AND METATARSAL FUSION; Syndactyly with associated metacarpal and metatarsal fusion. Identifiers: Orphanet 93406, MedGen C1861348, MONDO:0008516, OMIM 186300.
HOXD13-related disorder. Also called: HOXD13-related condition; HOXD13-related disorders.

Submissions (3):

3billion
Classification: Pathogenic for Syndactyly type 5. Last evaluated: 2024-11-20. Review status: criteria provided, single submitter. Criteria: ACMG Guidelines, 2015. Collection method: clinical testing. Allele origin: germline. Affected: yes.
Comment: The variant is not observed in the gnomAD v4.1.0 dataset. Predicted Consequence/Location: Inframe insertion variant The variant has been reported to co-segregate with the disease in at least 3 similarly affected relatives/individuals in the same family or similarly affected unrelated families (PMID: 20974300). The variant has been reported at least twice as pathogenic with clinical assertions and evidence for the classification (ClinVar ID: VCV001451293 /PMID: 24038517, VCV001451293.3 /3billion dataset). Therefore, this variant is classified as Pathogenic according to the recommendation of ACMG/AMP guideline.

Labcorp Genetics (formerly Invitae), Labcorp
Classification: Pathogenic. Last evaluated: 2024-10-31. Review status: criteria provided, single submitter. Criteria: Invitae Variant Classification Sherloc (09022015). Collection method: clinical testing. Allele origin: germline.
Comment: This variant, c.186_212dup, results in the insertion of 9 amino acid(s) of the HOXD13 protein (p.Ala63_Ala71dup), but otherwise preserves the integrity of the reading frame. This variant is not present in population databases (gnomAD no frequency). This variant has been observed in individual(s) with synpolydactyly (PMID: 19686284, 20974300, 25289061). It has also been observed to segregate with disease in related individuals. ClinVar contains an entry for this variant (Variation ID: 1451293). Algorithms developed to predict the effect of variants on gene product structure and function are not available or were not evaluated for this variant. Experimental studies have shown that this variant affects HOXD13 function (PMID: 32386547). For these reasons, this variant has been classified as Pathogenic.

PreventionGenetics, part of Exact Sciences
Classification: Pathogenic for HOXD13-related condition. Last evaluated: 2023-07-05. Review status: criteria provided, single submitter. Criteria: ACMG Guidelines, 2015. Collection method: clinical testing. Allele origin: germline.
Comment: The HOXD13 c.186_212dup27 variant is predicted to result in an in-frame duplication (p.Ala63_Ala71dup). This variant has been reported in multiple individuals with synpolydactyly (Table1, Jourdain et al. 2020. PubMed ID: 31502745). Similar alanine repeat expansion variants have been reported in affected individuals from multiple families (Table 1, Wajid et al. 2009. PubMed ID: 19686284; Figure 3, Gong et al. 2010. PubMed ID: 20974300; Figure 6, Zhou et al. 2014. PubMed ID: 25289061). In vitro and in vivo experimental studies suggest this variant affects protein function (Basu et al. 2020. PubMed ID: 32386547). This variant has not been reported in a large population database, indicating this variant is rare. In summary, this variant is interpreted as pathogenic.

Literature cited by the submitters: PubMed 24038517 (cited by 3billion); PubMed 20974300 (cited by 3billion and Labcorp Genetics (formerly Invitae), Labcorp); PubMed 19686284 (cited by Labcorp Genetics (formerly Invitae), Labcorp); PubMed 25289061 (cited by Labcorp Genetics (formerly Invitae), Labcorp); PubMed 32386547 (cited by Labcorp Genetics (formerly Invitae), Labcorp).

NM_000523.4(HOXD13):c.186_212dup (p.Ala63_Ala71dup)

Gene: HOXD13 (homeobox D13; plus strand). Cytogenetic location: 2q31.1.
Variant type: Duplication.
Coding change: c.186_212dup on transcript NM_000523.4 (MANE Select); coding-DNA positions 186 to 212, 27 bases duplicated (GGCGGCTGCGGCGGCGGCGGCGGCAGC).
Protein change: p.Ala63_Ala71dup.
Molecular consequence: inframe insertion.
Genome position (GRCh38, 1-based): chr2:176,093,076-176,093,102, GGCGGCTGCGGCGGCGGCGGCGGCAGC duplicated; duplicating any 27 consecutive bases within chr2:176,093,058-176,093,102 gives the same sequence; the c. name uses the placement nearest the transcript's 3' end. VCF-style (leftmost placement, unchanged base first): chr2-176093057-G-GGGCGGCGGCGGCGGCAGCGGCGGCTGC. GRCh37 (hg19) VCF-style: chr2-176957785-G-GGGCGGCGGCGGCGGCAGCGGCGGCTGC.
Other names: c.186_212dup27 (NM_000523.3).
Identifiers: ClinVar variation 1451293 (VCV001451293.9), dbSNP rs760539494, ClinGen allele CA2573134021.
Genomic context (GRCh38, chr2:176,093,057, plus strand): 5'-CGTCAGGCCAGTGCCGCGGCTTTCTCTCCGCGCCTGTGTTCGCCGGGACGCATTCGGGGC[G>GGGCGGCGGCGGCGGCAGCGGCGGCTGC]GGCGGCGGCGGCGGCAGCGGCGGCTGCGGCGGCGGCGGCGGCAGCCTCCGGCTTTGCGTA-3'